The following is an entry in ClinVar:

NM_005337.5(NCKAP1L):c.998+6G>A

Gene: NCKAP1L (NCK associated protein 1 like; plus strand). Cytogenetic location: 12q13.2.
Variant type: single nucleotide variant.
Coding change: c.998+6G>A on transcript NM_005337.5 (MANE Select); 6 bases into the intron after coding-DNA position 998, G replaced by A.
Molecular consequence: intron variant.
Genome position (GRCh38, 1-based): chr12:54,516,301, G>A. VCF-style: chr12-54516301-G-A. GRCh37 (hg19) VCF-style: chr12-54910085-G-A.
Other names: c.848+6G>A (NM_001184976.2).
Identifiers: ClinVar variation 2192872 (VCV002192872.3), dbSNP rs949744778, ClinGen allele CA237459243.

ClinVar aggregate classification (germline): Uncertain significance (1 of 4 stars; one submission).

Allele frequency attached by ClinVar (database versions not stated): gnomAD exomes below 0.00001; gnomAD 0.00001; TOPMed 0.00002.
gnomAD v4.1: 6 of 1,613,502 alleles (0.00037%); highest among the groups gnomAD compares: African/African-American, 0.008%; no homozygotes.

Submission:

Labcorp Genetics (formerly Invitae), Labcorp
Classification: Uncertain significance. Last evaluated: 2023-07-17. Review status: criteria provided, single submitter. Criteria: Invitae Variant Classification Sherloc (09022015). Collection method: clinical testing. Allele origin: germline.
Comment: This sequence change falls in intron 10 of the NCKAP1L gene. It does not directly change the encoded amino acid sequence of the NCKAP1L protein. It affects a nucleotide within the consensus splice site. This variant is present in population databases (no rsID available, gnomAD 0.01%). This variant has not been reported in the literature in individuals affected with NCKAP1L-related conditions. ClinVar contains an entry for this variant (Variation ID: 2192872). Variants that disrupt the consensus splice site are a relatively common cause of aberrant splicing (PMID: 17576681, 9536098). Algorithms developed to predict the effect of sequence changes on RNA splicing suggest that this variant is not likely to affect RNA splicing. In summary, the available evidence is currently insufficient to determine the role of this variant in disease. Therefore, it has been classified as a Variant of Uncertain Significance.

Literature cited by the submitters: PubMed 17576681; PubMed 9536098.